The following is an entry in ClinVar:

NM_001330288.2(SMARCC2):c.2066C>A (p.Pro689His)

Gene: SMARCC2 (SWI/SNF related BAF chromatin remodeling complex subunit C2; minus strand). Cytogenetic location: 12q13.2.
Variant type: single nucleotide variant.
Coding change: c.2066C>A on transcript NM_001330288.2 (MANE Select); coding-DNA position 2066, C replaced by A.
Protein change: p.Pro689His; replaces proline 689 with histidine.
Molecular consequence: missense variant.
Genome position (GRCh38, 1-based): chr12:56,171,798, G>T on the plus strand (C>A on the coding strand, the complement: SMARCC2 is on the minus strand). VCF-style: chr12-56171798-G-T. GRCh37 (hg19) VCF-style: chr12-56565582-G-T.
Other names: c.2066C>A, p.Pro689His (NM_001130420.3, NM_139067.4); c.1973C>A, p.Pro658His (NM_003075.5); short protein forms P658H, P689H.
Identifiers: ClinVar variation 3368769 (VCV003368769.2).

ClinVar aggregate classification (germline): Uncertain significance (1 of 4 stars; one submission).

Submission:

GeneDx
Classification: Uncertain significance. Last evaluated: 2026-02-05. Review status: criteria provided, single submitter. Criteria: GeneDx Variant Classification Process June 2021. Collection method: clinical testing. Allele origin: germline.
Comment: Not observed at significant frequency in large population cohorts (gnomAD); In silico analysis supports that this missense variant has a deleterious effect on protein structure/function; Has not been previously published as pathogenic or benign to our knowledge